The following is an entry in ClinVar:

NM_001128840.3(CACNA1D):c.5926C>T (p.His1976Tyr)

Gene: CACNA1D (calcium voltage-gated channel subunit alpha1 D; plus strand). Cytogenetic location: 3p21.1.
Variant type: single nucleotide variant.
Coding change: c.5926C>T on transcript NM_001128840.3 (MANE Select); coding-DNA position 5926, C replaced by T.
Protein change: p.His1976Tyr; replaces histidine 1976 with tyrosine.
Molecular consequence: missense variant.
Genome position (GRCh38, 1-based): chr3:53,810,032, C>T. VCF-style: chr3-53810032-C-T. GRCh37 (hg19) VCF-style: chr3-53844059-C-T.
Other names: c.5986C>T, p.His1996Tyr (NM_000720.4); c.5854C>T, p.His1952Tyr (NM_001128839.3); short protein forms H1952Y, H1976Y, H1996Y.
Identifiers: ClinVar variation 4852816 (VCV004852816.1).

ClinVar aggregate classification (germline): Uncertain significance (1 of 4 stars; one submission).

gnomAD v4.1: 4 of 1,614,060 alleles (0.00025%); highest among the groups gnomAD compares: South Asian, 0.0033%; no homozygotes.

Submission:

Clinical Genomics Laboratory, Stanford Medicine
Classification: Uncertain significance. Last evaluated: 2022-01-31. Review status: criteria provided, single submitter. Criteria: ACMG Guidelines, 2015. Collection method: clinical testing. Allele origin: germline. Observed: 1 variant allele, 1 heterozygote.
Comment: The p.His1996Tyr variant in the CACNA1D gene has not been previously reported in association with disease. This variant has been identified in 1/30,616 South Asian chromosomes by the Genome Aggregation Database. The CACNA1D gene has fewer missense variants in the general population than expected. A low rate of missense variation may suggest that this gene is intolerant to missense variation. Computational tools predict that this variant does not impact protein function; however, the accuracy of in silico algorithms is limited. These data were assessed using the ACMG/AMP variant interpretation guidelines. In summary, the significance of the p.His1996Tyr variant is uncertain. Additional information is needed to resolve the significance of this variant. [ACMG evidence codes used: PM2; PP2; BP4]